The following is an entry in ClinVar:

ClinVar aggregate classification (germline): Benign. Review status: criteria provided, multiple submitters, no conflicts (2 of 4 stars). 8 submissions from 8 submitters: Benign (6). 2 of the submissions do not count toward it. Last evaluated 2026-01-08.

Conditions:
Intellectual developmental disorder, X-linked 1. Also called: Intellectual disability, X-linked 1; Atkin Flaitz Patil Smith syndrome; MENTAL RETARDATION, X-LINKED 18; MENTAL RETARDATION, X-LINKED 78. Identifiers: Orphanet 777, MedGen C2931498, MONDO:0010656, OMIM 309530.
Inborn genetic diseases. Identifiers: MedGen C0950123, MeSH D030342.

Allele frequency attached by ClinVar (database versions not stated): 1000 Genomes Project 0.00106; gnomAD exomes 0.00128; gnomAD 0.00074 and 0.00060; 1000 Genomes Project 30x 0.00083; TOPMed 0.00090; ESP Exome Variant Server 0.00047.
gnomAD v4.1: 736 of 1,207,872 alleles (0.061%); highest among the groups gnomAD compares: East Asian, 0.33%; 6 homozygotes.

Submissions (8):

Labcorp Genetics (formerly Invitae), Labcorp
Classification: Benign for Intellectual developmental disorder, X-linked 1. Last evaluated: 2026-01-08. Review status: criteria provided, single submitter. Criteria: Invitae Variant Classification Sherloc (09022015). Collection method: clinical testing. Allele origin: germline.

Blueprint Genetics
Classification: Benign. Last evaluated: 2024-09-24. Review status: criteria provided, single submitter. Criteria: ACMG Guidelines, 2015. Collection method: clinical testing. Allele origin: germline.

GeneDx
Classification: Benign. Last evaluated: 2018-02-02. Review status: criteria provided, single submitter. Criteria: GeneDx Variant Classification (06012015). Collection method: clinical testing. Allele origin: germline. Affected: yes.
Comment: This variant is considered likely benign or benign based on one or more of the following criteria: it is a conservative change, it occurs at a poorly conserved position in the protein, it is predicted to be benign by multiple in silico algorithms, and/or has population frequency not consistent with disease.

Athena Diagnostics
Classification: Benign. Last evaluated: 2018-01-23. Review status: criteria provided, single submitter. Criteria: Athena Diagnostics Criteria. Collection method: clinical testing. Allele origin: germline.

Ambry Genetics
Classification: Benign for Inborn genetic diseases. Last evaluated: 2017-04-27. Review status: criteria provided, single submitter. Criteria: Ambry Variant Classification Scheme 2023. Collection method: clinical testing. Allele origin: germline.

Breakthrough Genomics
Classification: Benign. Review status: criteria provided, single submitter. Criteria: ACMG Guidelines, 2015. Collection method: not provided. Allele origin: germline. Inheritance: X-linked inheritance. Affected: yes.

Clinical Genetics DNA and cytogenetics Diagnostics Lab, Erasmus MC, Erasmus Medical Center
Classification: Likely benign. Review status: no assertion criteria provided. Collection method: clinical testing. Allele origin: germline. Affected: yes. Study: VKGL Data-share Consensus. Not counted in ClinVar's aggregate classification.

Genome Diagnostics Laboratory, University Medical Center Utrecht
Classification: Likely benign. Review status: no assertion criteria provided. Collection method: clinical testing. Allele origin: germline. Affected: yes. Study: VKGL Data-share Consensus. Not counted in ClinVar's aggregate classification.

NM_001111125.3(IQSEC2):c.2508G>A (p.Ala836=)

Gene: IQSEC2 (IQ motif and Sec7 domain ArfGEF 2; minus strand). Cytogenetic location: Xp11.22.
Variant type: single nucleotide variant.
Coding change: c.2508G>A on transcript NM_001111125.3 (MANE Select); coding-DNA position 2508, G replaced by A.
Protein change: p.Ala836=; no amino-acid change (alanine 836 retained).
Molecular consequence: synonymous variant.
Genome position (GRCh38, 1-based): chrX:53,248,188, C>T on the plus strand (G>A on the coding strand, the complement: IQSEC2 is on the minus strand). VCF-style: chrX-53248188-C-T. GRCh37 (hg19) VCF-style: chrX-53277370-C-T.
Other names: c.1893G>A, p.Ala631= (NM_015075.2).
Identifiers: ClinVar variation 386738 (VCV000386738.21), dbSNP rs2274308, ClinGen allele CA10419927.